The following is an entry in ClinVar:

ClinVar aggregate classification (germline): Likely benign. Review status: criteria provided, multiple submitters, no conflicts (2 of 4 stars). 2 submissions from 2 submitters: Likely benign (2). Last evaluated 2024-07-08.

Allele frequency attached by ClinVar (database versions not stated): gnomAD 0.00003; ExAC 0.00004; TOPMed 0.00005; gnomAD exomes 0.00007.
gnomAD v4.1: 98 of 1,613,858 alleles (0.0061%); highest among the groups gnomAD compares: Admixed American, 0.0083%; no homozygotes.

Submissions (2):

Blueprint Genetics
Classification: Likely benign. Last evaluated: 2024-07-08. Review status: criteria provided, single submitter. Criteria: ACMG Guidelines, 2015. Collection method: clinical testing. Allele origin: germline.

CeGaT Center for Human Genetics Tuebingen
Classification: Likely benign. Last evaluated: 2023-07-01. Review status: criteria provided, single submitter. Criteria: CeGaT Center For Human Genetics Tuebingen Variant Classification Criteria Version 2. Collection method: clinical testing. Allele origin: germline. Affected: yes. Observed: 2 variant alleles.
Comment: TET3: BP4, BP7

NM_001287491.2(TET3):c.1242C>T (p.His414=)

Gene: TET3 (tet methylcytosine dioxygenase 3; plus strand). Cytogenetic location: 2p13.1.
Variant type: single nucleotide variant.
Coding change: c.1242C>T on transcript NM_001287491.2 (MANE Select); coding-DNA position 1242, C replaced by T.
Protein change: p.His414=; no amino-acid change (histidine 414 retained).
Molecular consequence: synonymous variant.
Genome position (GRCh38, 1-based): chr2:74,047,159, C>T. VCF-style: chr2-74047159-C-T. GRCh37 (hg19) VCF-style: chr2-74274286-C-T.
Other names: c.963C>T, p.His321= (NM_001366022.1); c.837C>T, p.His279= (NM_144993.1).
Identifiers: ClinVar variation 2651038 (VCV002651038.25), dbSNP rs762359864, ClinGen allele CA1718562.